The following is an entry in ClinVar:

ClinVar aggregate classification (germline): Conflicting classifications of pathogenicity. Review status: criteria provided, conflicting classifications (1 of 4 stars). 2 submissions from 2 submitters: Uncertain significance (1); Benign (1). Last evaluated 2022-09-01.

Conditions:
Arrhythmogenic right ventricular dysplasia 9 (ARVD9). Also called: Arrhythmogenic Right Ventricular Dysplasia/Cardiomyopathy 9; ARRHYTHMOGENIC RIGHT VENTRICULAR DYSPLASIA, FAMILIAL, 9. Identifiers: MedGen C1836906, MONDO:0012180, OMIM 609040.

Allele frequency attached by ClinVar (database versions not stated): gnomAD 0.00098 and 0.00103; TOPMed 0.00104; 1000 Genomes Project 0.00040; 1000 Genomes Project 30x 0.00078.

Submissions (2):

CeGaT Center for Human Genetics Tuebingen
Classification: Benign. Last evaluated: 2022-09-01. Review status: criteria provided, single submitter. Criteria: CeGaT Center For Human Genetics Tuebingen Variant Classification Criteria Version 2. Collection method: clinical testing. Allele origin: germline. Affected: yes. Observed: 2 variant alleles.
Comment: PKP2: BS1, BS2

Illumina Laboratory Services, Illumina
Classification: Uncertain significance for Arrhythmogenic right ventricular dysplasia 9. Last evaluated: 2018-01-13. Review status: criteria provided, single submitter. Criteria: ICSL Variant Classification Criteria 13 December 2019. Collection method: clinical testing. Allele origin: germline.

NM_004572.3(PKP2):c.-99T>C

Genes: PKP2 (plakophilin 2; minus strand), LOC130007664 (ATAC-STARR-seq lymphoblastoid silent region 4340; plus strand). Cytogenetic location: 12p11.21.
Variant type: single nucleotide variant.
Coding change: c.-99T>C on transcript NM_004572.3; 99 bases upstream of the start codon, T replaced by C.
Genome position (GRCh38, 1-based): chr12:32,896,830, A>G on the plus strand (T>C on the coding strand, the complement: PKP2 is on the minus strand). VCF-style: chr12-32896830-A-G. GRCh37 (hg19) VCF-style: chr12-33049764-A-G.
Identifiers: ClinVar variation 308525 (VCV000308525.35), dbSNP rs565997897, ClinGen allele CA10642037.
Genomic context (GRCh38, chr12:32,896,830, plus strand): 5'-GGACTCGCGGGCGAAGCCGCCACGGAGCTGGGGGCGCTGGCGCGAGCCCCGCCCCGCTCG[A>G]GTCCGGCCCCGCCCCTGGCCCGCCCCCCGCGCCGGTGAGAGGCCCGGGCCGGGGGGGAGC-3'